The following is an entry in ClinVar:

NM_000264.5(PTCH1):c.3206G>T (p.Gly1069Val)

Gene: PTCH1 (patched 1; minus strand). Cytogenetic location: 9q22.32.
Variant type: single nucleotide variant.
Coding change: c.3206G>T on transcript NM_000264.5 (MANE Select); coding-DNA position 3206, G replaced by T.
Protein change: p.Gly1069Val; replaces glycine 1069 with valine.
Molecular consequence: missense variant. On other transcripts: non-coding transcript variant (1).
Genome position (GRCh38, 1-based): chr9:95,456,376, C>A on the plus strand (G>T on the coding strand, the complement: PTCH1 is on the minus strand). VCF-style: chr9-95456376-C-A. GRCh37 (hg19) VCF-style: chr9-98218658-C-A.
Other names: c.3008G>T, p.Gly1003Val (NM_001083602.3); c.3203G>T, p.Gly1068Val (NM_001083603.3); c.2753G>T, p.Gly918Val (NM_001083604.3, NM_001083605.3, NM_001083606.3 and 1 more transcripts); c.3050G>T, p.Gly1017Val (NM_001354918.2); short protein forms G1017V, G1003V, G1069V, G1068V, G918V.
Identifiers: ClinVar variation 656977 (VCV000656977.9), dbSNP rs1588535858, ClinGen allele CA374112155.
Genomic context (GRCh38, chr9:95,456,376, plus strand): 5'-GAAGCGATCAGGATGACCACGGGCACGGCACTGAGCTTGATTCCGATGAGGCCCATCATG[C>A]CGAACAGCTCGACCGTCATCAGCGCCAGGACCATCACCTGGAGCAGGGCACACAGTGGTC-3'
Protein context (NP_000255.2, residues 1059-1079): VLALMTVELF[Gly1069Val]MMGLIGIKLS

ClinVar aggregate classification (germline): Uncertain significance (1 of 4 stars; one submission).

Conditions:
Gorlin syndrome. Also called: Nevoid Basal Cell Carcinoma Syndrome; Basal cell nevus syndrome. Identifiers: Orphanet 377, MedGen C0004779, MONDO:0007187.

Submission:

Labcorp Genetics (formerly Invitae), Labcorp
Classification: Uncertain significance for Gorlin syndrome. Last evaluated: 2023-08-11. Review status: criteria provided, single submitter. Criteria: Invitae Variant Classification Sherloc (09022015). Collection method: clinical testing. Allele origin: germline.
Comment: In summary, the available evidence is currently insufficient to determine the role of this variant in disease. Therefore, it has been classified as a Variant of Uncertain Significance. This variant disrupts the p.Gly1069 amino acid residue in PTCH1. Other variant(s) that disrupt this residue have been observed in individuals with PTCH1-related conditions (PMID: 8981943, 17328283; Invitae), which suggests that this may be a clinically significant amino acid residue. This sequence change replaces glycine, which is neutral and non-polar, with valine, which is neutral and non-polar, at codon 1069 of the PTCH1 protein (p.Gly1069Val). This variant is not present in population databases (gnomAD no frequency). This variant has not been reported in the literature in individuals affected with PTCH1-related conditions. ClinVar contains an entry for this variant (Variation ID: 656977). Advanced modeling of protein sequence and biophysical properties (such as structural, functional, and spatial information, amino acid conservation, physicochemical variation, residue mobility, and thermodynamic stability) has been performed at Invitae for this missense variant, however the output from this modeling did not meet the statistical confidence thresholds required to predict the impact of this variant on PTCH1 protein function.

Literature cited by the submitters: PubMed 8981943; PubMed 17328283.